The following is an entry in ClinVar:

ClinVar aggregate classification (germline): Uncertain significance (1 of 4 stars; one submission).

Submission:

Ambry Genetics
Classification: Uncertain significance. Last evaluated: 2025-04-07. Review status: criteria provided, single submitter. Criteria: Ambry Variant Classification Scheme 2023. Collection method: clinical testing. Allele origin: germline.
Comment: The p.P23T variant (also known as c.67C>A), located in coding exon 1 of the WNK2 gene, results from a C to A substitution at nucleotide position 67. The proline at codon 23 is replaced by threonine, an amino acid with highly similar properties. This amino acid position is conserved. In addition, this alteration is predicted to be tolerated by in silico analysis. Based on the available evidence, the clinical significance of this variant remains unclear.

NM_006648.4(WNK2):c.67C>A (p.Pro23Thr)

Gene: WNK2 (WNK lysine deficient protein kinase 2; plus strand). Cytogenetic location: 9q22.31.
Variant type: single nucleotide variant.
Coding change: c.67C>A on transcript NM_006648.4 (MANE Select); coding-DNA position 67, C replaced by A.
Protein change: p.Pro23Thr; replaces proline 23 with threonine.
Molecular consequence: missense variant.
Genome position (GRCh38, 1-based): chr9:93,184,996, C>A. VCF-style: chr9-93184996-C-A. GRCh37 (hg19) VCF-style: chr9-95947278-C-A.
Other names: c.67C>A, p.Pro23Thr (NM_001282394.3); short protein forms P23T.
Identifiers: ClinVar variation 3981835 (VCV003981835.1).